The following is an entry in ClinVar:

NM_001130823.3(DNMT1):c.3254C>T (p.Pro1085Leu)

Gene: DNMT1 (DNA methyltransferase 1; minus strand). Cytogenetic location: 19p13.2.
Variant type: single nucleotide variant.
Coding change: c.3254C>T on transcript NM_001130823.3 (MANE Select); coding-DNA position 3254, C replaced by T.
Protein change: p.Pro1085Leu; replaces proline 1085 with leucine.
Molecular consequence: missense variant.
Genome position (GRCh38, 1-based): chr19:10,142,083, G>A on the plus strand (C>T on the coding strand, the complement: DNMT1 is on the minus strand). VCF-style: chr19-10142083-G-A. GRCh37 (hg19) VCF-style: chr19-10252759-G-A.
Other names: c.3206C>T, p.Pro1069Leu (NM_001318730.2, NM_001379.4); c.2891C>T, p.Pro964Leu (NM_001318731.2); short protein forms P1069L, P1085L, P964L.
Identifiers: ClinVar variation 2878198 (VCV002878198.3), dbSNP rs2513785895, ClinGen allele CA403974911.

ClinVar aggregate classification (germline): Uncertain significance (1 of 4 stars; one submission).

Conditions:
Hereditary sensory neuropathy-deafness-dementia syndrome. Also called: Hereditary Sensory and Autonomic Neuropathy Type 1E (HSAN1E); NEUROPATHY, HEREDITARY SENSORY, WITH HEARING LOSS AND DEMENTIA; HSN IE; Hereditary sensory neuropathy type IE. Identifiers: Orphanet 456318, MedGen C3279885, MONDO:0013584, OMIM 614116.

Submission:

Labcorp Genetics (formerly Invitae), Labcorp
Classification: Uncertain significance for Hereditary sensory neuropathy-deafness-dementia syndrome. Last evaluated: 2023-07-12. Review status: criteria provided, single submitter. Criteria: Invitae Variant Classification Sherloc (09022015). Collection method: clinical testing. Allele origin: germline.
Comment: In summary, the available evidence is currently insufficient to determine the role of this variant in disease. Therefore, it has been classified as a Variant of Uncertain Significance. Advanced modeling of protein sequence and biophysical properties (such as structural, functional, and spatial information, amino acid conservation, physicochemical variation, residue mobility, and thermodynamic stability) performed at Invitae indicates that this missense variant is not expected to disrupt DNMT1 protein function. This variant has not been reported in the literature in individuals affected with DNMT1-related conditions. This variant is not present in population databases (gnomAD no frequency). This sequence change replaces proline, which is neutral and non-polar, with leucine, which is neutral and non-polar, at codon 1085 of the DNMT1 protein (p.Pro1085Leu).